The following is an entry in ClinVar:

ClinVar aggregate classification (germline): Uncertain significance. Review status: criteria provided, multiple submitters, no conflicts (2 of 4 stars). 2 submissions from 2 submitters: Uncertain significance (2). Last evaluated 2023-01-31.

Conditions:
Long QT syndrome (LQTS). Identifiers: MedGen C0023976, MeSH D008133, MONDO:0002442. Disease mechanism: loss of function. Inheritance: Various modes of inheritance.
Cardiovascular phenotype. Identifiers: MedGen CN230736.

Allele frequency attached by ClinVar (database versions not stated): TOPMed 0.00001; gnomAD 0.00002.
gnomAD v4.1: 3 of 1,613,810 alleles (0.00019%); highest among the groups gnomAD compares: African/African-American, 0.004%; no homozygotes.

Submissions (2):

Ambry Genetics
Classification: Uncertain significance for Cardiovascular phenotype. Last evaluated: 2023-01-31. Review status: criteria provided, single submitter. Criteria: Ambry Variant Classification Scheme 2023. Collection method: clinical testing. Allele origin: germline.
Comment: The p.S1898F variant (also known as c.5693C>T), located in coding exon 45 of the CACNA1C gene, results from a C to T substitution at nucleotide position 5693. The serine at codon 1898 is replaced by phenylalanine, an amino acid with highly dissimilar properties. This amino acid position is highly conserved in available vertebrate species. In addition, the in silico prediction for this alteration is inconclusive. Based on the supporting evidence, the association of this alteration with CACNA1C-related neurodevelopmental disorder is unknown; however, the association of this alteration with CACNA1C-related Timothy syndrome or long QT syndrome is unlikely.

Labcorp Genetics (formerly Invitae), Labcorp
Classification: Uncertain significance for Long QT syndrome. Last evaluated: 2021-10-12. Review status: criteria provided, single submitter. Criteria: Invitae Variant Classification Sherloc (09022015). Collection method: clinical testing. Allele origin: germline.
Comment: In summary, the available evidence is currently insufficient to determine the role of this variant in disease. Therefore, it has been classified as a Variant of Uncertain Significance. Algorithms developed to predict the effect of missense changes on protein structure and function are either unavailable or do not agree on the potential impact of this missense change (SIFT: "Deleterious"; PolyPhen-2: "Probably Damaging"; Align-GVGD: "Class C0"). This variant has not been reported in the literature in individuals affected with CACNA1C-related conditions. This variant is not present in population databases (ExAC no frequency). This sequence change replaces serine with phenylalanine at codon 1898 of the CACNA1C protein (p.Ser1898Phe). The serine residue is moderately conserved and there is a large physicochemical difference between serine and phenylalanine.

NM_000719.7(CACNA1C):c.5693C>T (p.Ser1898Phe)

Genes: CACNA1C (calcium voltage-gated channel subunit alpha1 C; plus strand), CACNA1C-AS1 (CACNA1C antisense RNA 1; minus strand). Cytogenetic location: 12p13.33.
Variant type: single nucleotide variant.
Coding change: c.5693C>T on transcript NM_000719.7 (MANE Select); coding-DNA position 5693, C replaced by T.
Protein change: p.Ser1898Phe; replaces serine 1898 with phenylalanine.
Molecular consequence: missense variant.
Genome position (GRCh38, 1-based): chr12:2,686,178, C>T. VCF-style: chr12-2686178-C-T. GRCh37 (hg19) VCF-style: chr12-2795344-C-T.
Other names: c.5837C>T, p.Ser1946Phe (NM_001129827.2); c.5816C>T, p.Ser1939Phe (NM_001129829.2); c.5798C>T, p.Ser1933Phe (NM_001129830.3, NM_001167624.3); c.5777C>T, p.Ser1926Phe (NM_001129831.2); c.5753C>T, p.Ser1918Phe (NM_001129832.2); c.5750C>T, p.Ser1917Phe (NM_001129833.2, NM_001129834.2, NM_001129835.2); c.5744C>T, p.Ser1915Phe (NM_001129836.2); c.5717C>T, p.Ser1906Phe (NM_001129837.2, NM_001129838.2); and 7 more; short protein forms S1895F, S1906F, S1918F, S1946F, S1958F, S1981F, S1904F, S1933F.
Identifiers: ClinVar variation 1386344 (VCV001386344.7), dbSNP rs1312835338, ClinGen allele CA383382486.